The following is an entry in ClinVar:

ClinVar aggregate classification (germline): Pathogenic (1 of 4 stars; one submission).

Conditions:
Atypical hemolytic-uremic syndrome. Identifiers: Orphanet 2134, MedGen C2931788, MONDO:0016244.

Submission:

Genomenon, Inc
Classification: Pathogenic for Atypical hemolytic-uremic syndrome. Last evaluated: 2025-10-02. Review status: criteria provided, single submitter. Criteria: Genomenon Sequence Variant Interpretation Standards. Collection method: curation. Allele origin: germline. Affected: yes.
Comment: CD46 p.Phe69ThrfsTer39 (c.202_203dup) is a frameshift variant that results in the production of a truncated protein which is predicted to undergo nonsense-mediated mRNA decay. This variant has been observed in at least one proband affected with atypical hemolytic-uremic syndrome (PMID:36141710). The variant was found to segregate with disease in at least one affected family (PMID:36141710). It is absent or not present at a significant frequency in gnomAD. In conclusion, we classify CD46 p.Phe69ThrfsTer39 (c.202_203dup) as a pathogenic variant.

Literature cited by the submitters: PubMed 36141710.

NM_172351.3(CD46):c.202_203dup (p.Phe69fs)

Gene: CD46 (CD46 molecule; plus strand). Cytogenetic location: 1q32.2.
Variant type: Duplication.
Coding change: c.202_203dup on transcript NM_172351.3 (MANE Select); coding-DNA positions 202 to 203, 2 bases duplicated (TA; older notation c.202_203dupTA).
Protein change: p.Phe69fs; shifts the reading frame from phenylalanine 69.
Molecular consequence: frameshift variant.
Genome position (GRCh38, 1-based): chr1:207,757,118-207,757,119, TA duplicated; duplicating any 2 consecutive bases within chr1:207,757,117-207,757,119 gives the same sequence; the c. name uses the placement nearest the transcript's 3' end. VCF-style (leftmost placement, unchanged base first): chr1-207757116-G-GAT. GRCh37 (hg19) VCF-style: chr1-207930461-G-GAT.
Other names: c.202_203dup, p.Phe69fs (NM_002389.4, NM_153826.4, NM_172350.3 and 8 more transcripts); short protein forms F69fs.
Identifiers: ClinVar variation 4291258 (VCV004291258.1).
Genomic context (GRCh38, chr1:207,757,116, plus strand): 5'-TTGGTAAACCAAAACCCTACTATGAGATTGGTGAACGAGTAGATTATAAGTGTAAAAAAG[G>GAT]ATACTTCTATATACCTCCTCTTGCCACCCATACTATTTGTGATCGGAATCATACATGGCT-3'